The following is an entry in ClinVar:

NM_005359.6(SMAD4):c.1058A>T (p.Tyr353Phe)

Gene: SMAD4 (SMAD family member 4; plus strand). Cytogenetic location: 18q21.2.
Variant type: single nucleotide variant.
Coding change: c.1058A>T on transcript NM_005359.6 (MANE Select); coding-DNA position 1058, A replaced by T.
Protein change: p.Tyr353Phe; replaces tyrosine 353 with phenylalanine.
Molecular consequence: missense variant.
Genome position (GRCh38, 1-based): chr18:51,065,525, A>T. VCF-style: chr18-51065525-A-T. GRCh37 (hg19) VCF-style: chr18-48591895-A-T.
Other names: c.1058A>T, p.Tyr353Phe (NM_001407041.1, NM_001407042.1, NM_001407043.1); short protein forms Y353F.
Identifiers: ClinVar variation 2033933 (VCV002033933.4), dbSNP rs377767346, ClinGen allele CA402464298.

ClinVar aggregate classification (germline): Uncertain significance (1 of 4 stars; one submission).

Conditions:
Juvenile polyposis syndrome (JPS). Identifiers: Orphanet 2929, MedGen C0345893, MONDO:0017380, OMIM 174900.

Submission:

Labcorp Genetics (formerly Invitae), Labcorp
Classification: Uncertain significance for Juvenile polyposis syndrome. Last evaluated: 2022-10-03. Review status: criteria provided, single submitter. Criteria: Invitae Variant Classification Sherloc (09022015). Collection method: clinical testing. Allele origin: germline.
Comment: In summary, the available evidence is currently insufficient to determine the role of this variant in disease. Therefore, it has been classified as a Variant of Uncertain Significance. This variant disrupts the p.Tyr353 amino acid residue in SMAD4. Other variant(s) that disrupt this residue have been determined to be pathogenic (PMID: 31684910; Invitae). This suggests that this residue is clinically significant, and that variants that disrupt this residue are likely to be disease-causing. Advanced modeling of protein sequence and biophysical properties (such as structural, functional, and spatial information, amino acid conservation, physicochemical variation, residue mobility, and thermodynamic stability) has been performed at Invitae for this missense variant, however the output from this modeling did not meet the statistical confidence thresholds required to predict the impact of this variant on SMAD4 protein function. This variant has not been reported in the literature in individuals affected with SMAD4-related conditions. This variant is not present in population databases (gnomAD no frequency). This sequence change replaces tyrosine, which is neutral and polar, with phenylalanine, which is neutral and non-polar, at codon 353 of the SMAD4 protein (p.Tyr353Phe).

Literature cited by the submitters: PubMed 31684910.